The following is an entry in ClinVar:

NM_020975.6(RET):c.1619G>T (p.Arg540Met)

Gene: RET (ret proto-oncogene; plus strand). Cytogenetic location: 10q11.21.
Variant type: single nucleotide variant.
Coding change: c.1619G>T on transcript NM_020975.6 (MANE Select); coding-DNA position 1619, G replaced by T.
Protein change: p.Arg540Met; replaces arginine 540 with methionine.
Molecular consequence: missense variant.
Genome position (GRCh38, 1-based): chr10:43,112,195, G>T. VCF-style: chr10-43112195-G-T. GRCh37 (hg19) VCF-style: chr10-43607643-G-T.
Other names: c.857G>T, p.Arg286Met (NM_001355216.2); c.1619G>T, p.Arg540Met (NM_001406743.1, NM_001406744.1, NM_001406759.1 and 4 more transcripts); c.1490G>T, p.Arg497Met (NM_001406761.1, NM_001406762.1, NM_001406764.1 and 1 more transcripts); c.1331G>T, p.Arg444Met (NM_001406766.1, NM_001406767.1, NM_001406770.1); c.1223G>T, p.Arg408Met (NM_001406769.1, NM_001406772.1); c.1181G>T, p.Arg394Met (NM_001406771.1, NM_001406773.1); c.593G>T, p.Arg198Met (NM_001406783.1, NM_001406786.1); c.629G>T, p.Arg210Met (NM_001406784.1); and 5 more; short protein forms R145M, R210M, R497M, R57M, R394M, R540M, R198M, R241M.
Identifiers: ClinVar variation 4152795 (VCV004152795.1).

ClinVar aggregate classification (germline): Uncertain significance (1 of 4 stars; one submission).

Conditions:
Hereditary cancer-predisposing syndrome. Also called: Neoplastic Syndromes, Hereditary; Tumor predisposition; Hereditary Cancer Syndrome; Hereditary neoplastic syndrome. Identifiers: Orphanet 140162, MedGen C0027672, MeSH D009386, MONDO:0015356.

Submission:

Ambry Genetics
Classification: Uncertain significance for Hereditary cancer-predisposing syndrome. Last evaluated: 2025-07-18. Review status: criteria provided, single submitter. Criteria: Ambry Variant Classification Scheme 2023. Collection method: clinical testing. Allele origin: germline.
Comment: The p.R540M variant (also known as c.1619G>T), located in coding exon 8 of the RET gene, results from a G to T substitution at nucleotide position 1619. The arginine at codon 540 is replaced by methionine, an amino acid with similar properties. This amino acid position is conserved. In addition, the in silico prediction for this alteration is inconclusive. Based on the available evidence, the clinical significance of this variant remains unclear.